The following is an entry in ClinVar:

ClinVar aggregate classification (germline): Uncertain significance. Review status: criteria provided, multiple submitters, no conflicts (2 of 4 stars). 2 submissions from 2 submitters: Uncertain significance (2). Last evaluated 2022-12-02.

Conditions:
Inborn genetic diseases. Identifiers: MedGen C0950123, MeSH D030342.

Allele frequency attached by ClinVar (database versions not stated): gnomAD exomes 0.00001; TOPMed 0.00001; gnomAD 0.00002; ExAC 0.00003; ESP Exome Variant Server 0.00008.
gnomAD v4.1: 5 of 1,576,556 alleles (0.00032%); highest among the groups gnomAD compares: African/African-American, 0.0055%; no homozygotes.

Submissions (2):

Ambry Genetics
Classification: Uncertain significance for Inborn genetic diseases. Last evaluated: 2022-12-02. Review status: criteria provided, single submitter. Criteria: Ambry Variant Classification Scheme 2023. Collection method: clinical testing. Allele origin: germline.

Labcorp Genetics (formerly Invitae), Labcorp
Classification: Uncertain significance. Last evaluated: 2022-08-09. Review status: criteria provided, single submitter. Criteria: Invitae Variant Classification Sherloc (09022015). Collection method: clinical testing. Allele origin: germline.
Comment: In summary, the available evidence is currently insufficient to determine the role of this variant in disease. Therefore, it has been classified as a Variant of Uncertain Significance. Algorithms developed to predict the effect of missense changes on protein structure and function are either unavailable or do not agree on the potential impact of this missense change (SIFT: "Deleterious"; PolyPhen-2: "Probably Damaging"; Align-GVGD: "Class C0"). ClinVar contains an entry for this variant (Variation ID: 1349899). This variant has not been reported in the literature in individuals affected with CWC27-related conditions. This variant is present in population databases (rs138235746, gnomAD 0.01%). This sequence change replaces serine, which is neutral and polar, with proline, which is neutral and non-polar, at codon 89 of the CWC27 protein (p.Ser89Pro).

NM_005869.4(CWC27):c.265T>C (p.Ser89Pro)

Gene: CWC27 (CWC27 spliceosome associated cyclophilin; plus strand). Cytogenetic location: 5q12.3.
Variant type: single nucleotide variant.
Coding change: c.265T>C on transcript NM_005869.4 (MANE Select); coding-DNA position 265, T replaced by C.
Protein change: p.Ser89Pro; replaces serine 89 with proline.
Molecular consequence: missense variant.
Genome position (GRCh38, 1-based): chr5:64,783,848, T>C. VCF-style: chr5-64783848-T-C. GRCh37 (hg19) VCF-style: chr5-64079675-T-C.
Other names: c.265T>C, p.Ser89Pro (NM_001297644.1, NM_001297645.2, NM_001318000.2 and 1 more transcripts); c.265T>C (NM_005869.2); short protein forms S89P.
Identifiers: ClinVar variation 1349899 (VCV001349899.7), dbSNP rs138235746, ClinGen allele CA3281907.
Genomic context (GRCh38, chr5:64,783,848, plus strand): 5'-GAAGGGTCTTATAACTGAGGACATTCACTAAATCTTTTTACATTTCAGGATGAATTTCAT[T>C]CACGGTTGCGTTTTAATCGGAGAGGACTGGTTGCCATGGCAAATGCTGGTTCTCATGATA-3'
Protein context (NP_005860.2, residues 79-99): YGAPFKDEFH[Ser89Pro]RLRFNRRGLV